The following is an entry in ClinVar:

NM_024675.4(PALB2):c.2989G>A (p.Asp997Asn)

Gene: PALB2 (partner and localizer of BRCA2; minus strand). Cytogenetic location: 16p12.2.
Variant type: single nucleotide variant.
Coding change: c.2989G>A on transcript NM_024675.4 (MANE Select); coding-DNA position 2989, G replaced by A.
Protein change: p.Asp997Asn; replaces aspartic acid 997 with asparagine.
Molecular consequence: missense variant.
Genome position (GRCh38, 1-based): chr16:23,622,976, C>T on the plus strand (G>A on the coding strand, the complement: PALB2 is on the minus strand). VCF-style: chr16-23622976-C-T. GRCh37 (hg19) VCF-style: chr16-23634297-C-T.
Other names: short protein forms D997N.
Identifiers: ClinVar variation 1691949 (VCV001691949.1), dbSNP rs1555459513, ClinGen allele CA395143874.

ClinVar aggregate classification (germline): Uncertain significance (1 of 4 stars; one submission).

Conditions:
Hereditary cancer-predisposing syndrome. Also called: Hereditary Cancer Syndrome; Hereditary neoplastic syndrome; Neoplastic Syndromes, Hereditary; Tumor predisposition. Identifiers: Orphanet 140162, MedGen C0027672, MeSH D009386, MONDO:0015356.

Submission:

Sema4
Classification: Uncertain significance for Hereditary cancer-predisposing syndrome. Last evaluated: 2021-10-28. Review status: criteria provided, single submitter. Criteria: Sema4 Curation Guidelines. Collection method: curation. Allele origin: germline.
Comment: The PALB2 c.2989G>A (p.D997N) variant has not been reported in the literature to our knowledge. It was not observed in the large and broad cohorts of the Genome Aggregation Database nor in ClinVar. Functional studies have not been performed, and in silico predictions of the variant's effect on protein function are inconclusive. The evidence is insufficient to meet ACMG/AMP criteria for classifying the variant as benign or pathogenic. Thus, the clinical significance of this variant is currently uncertain.